The following is an entry in ClinVar:

NM_022437.3(ABCG8):c.440G>A (p.Cys147Tyr)

Gene: ABCG8 (ATP binding cassette subfamily G member 8; plus strand). Cytogenetic location: 2p21.
Variant type: single nucleotide variant.
Coding change: c.440G>A on transcript NM_022437.3 (MANE Select); coding-DNA position 440, G replaced by A.
Protein change: p.Cys147Tyr; replaces cysteine 147 with tyrosine.
Molecular consequence: missense variant.
Genome position (GRCh38, 1-based): chr2:43,851,701, G>A. VCF-style: chr2-43851701-G-A. GRCh37 (hg19) VCF-style: chr2-44078840-G-A.
Other names: c.440G>A, p.Cys147Tyr (NM_001357321.2); short protein forms C147Y.
Identifiers: ClinVar variation 3419590 (VCV003419590.1).

ClinVar aggregate classification (germline): Uncertain significance (1 of 4 stars; one submission).

Conditions:
Cardiovascular phenotype. Identifiers: MedGen CN230736.

gnomAD v4.1: 2 of 1,614,260 alleles (0.00012%); highest among the groups gnomAD compares: African/African-American, 0.0013%; no homozygotes.

Submission:

Ambry Genetics
Classification: Uncertain significance for Cardiovascular phenotype. Last evaluated: 2024-09-24. Review status: criteria provided, single submitter. Criteria: Ambry Variant Classification Scheme 2023. Collection method: clinical testing. Allele origin: germline.
Comment: The p.C147Y variant (also known as c.440G>A), located in coding exon 4 of the ABCG8 gene, results from a G to A substitution at nucleotide position 440. The cysteine at codon 147 is replaced by tyrosine, an amino acid with highly dissimilar properties. This amino acid position is conserved. In addition, this alteration is predicted to be tolerated by in silico analysis. Based on the available evidence, the clinical significance of this variant remains unclear.